The following is an entry in ClinVar:

ClinVar aggregate classification (germline): Pathogenic (1 of 4 stars; one submission).

Conditions:
Smith-Lemli-Opitz syndrome (SLOS). Also called: POLYDACTYLY, SEX REVERSAL, RENAL HYPOPLASIA, AND UNILOBAR LUNG; RSH SYNDROME; RUTLEDGE LETHAL MULTIPLE CONGENITAL ANOMALY SYNDROME; LETHAL ACRODYSGENITAL SYNDROME; 7-Dehydrocholesterol reductase deficiency. Identifiers: Orphanet 818, MedGen C0175694, MONDO:0010035, OMIM 270400.

Submission:

Labcorp Genetics (formerly Invitae), Labcorp
Classification: Pathogenic for Smith-Lemli-Opitz syndrome. Last evaluated: 2021-03-10. Review status: criteria provided, single submitter. Criteria: Invitae Variant Classification Sherloc (09022015). Collection method: clinical testing. Allele origin: germline.
Comment: This sequence change creates a premature translational stop signal (p.Leu317Phefs*96) in the DHCR7 gene. While this is not anticipated to result in nonsense mediated decay, it is expected to disrupt the last 159 amino acid(s) of the DHCR7 protein. This variant is not present in population databases (ExAC no frequency). This variant has not been reported in the literature in individuals with DHCR7-related conditions. This variant disrupts the C-terminus of the DHCR7 protein. Other variant(s) that disrupt this region p.Tyr382*) have been determined to be pathogenic (Invitae). This suggests that variants that disrupt this region of the protein are likely to be causative of disease. For these reasons, this variant has been classified as Pathogenic.

NM_001360.3(DHCR7):c.949del (p.Leu317fs)

Gene: DHCR7 (7-dehydrocholesterol reductase; minus strand). Cytogenetic location: 11q13.4.
Variant type: Deletion.
Coding change: c.949del on transcript NM_001360.3 (MANE Select); coding-DNA position 949, one base deleted (C; older notation c.949delC).
Protein change: p.Leu317fs; shifts the reading frame from leucine 317.
Molecular consequence: frameshift variant.
Genome position (GRCh38, 1-based): chr11:71,437,826, G deleted on the plus strand (C on the coding strand, the reverse complement: DHCR7 is on the minus strand). VCF-style (leftmost placement, unchanged base first): chr11-71437825-AG-A. GRCh37 (hg19) VCF-style: chr11-71148871-AG-A.
Other names: c.949del, p.Leu317fs (NM_001163817.2); short protein forms L317fs.
Identifiers: ClinVar variation 1361572 (VCV001361572.8), dbSNP rs2135941775, ClinGen allele CA2573147610.